The following is an entry in ClinVar:

ClinVar aggregate classification (germline): Uncertain significance (1 of 4 stars; one submission).

Conditions:
Hereditary cancer-predisposing syndrome. Also called: Tumor predisposition; Hereditary neoplastic syndrome; Neoplastic Syndromes, Hereditary; Hereditary Cancer Syndrome. Identifiers: Orphanet 140162, MedGen C0027672, MeSH D009386, MONDO:0015356.

Allele frequency attached by ClinVar (database versions not stated): gnomAD exomes below 0.00001; ExAC 0.00001.
gnomAD v4.1: 1 of 1,590,558 alleles (0.000063%); highest among the groups gnomAD compares: Non-Finnish European, 0.000085%; no homozygotes.

Submission:

Ambry Genetics
Classification: Uncertain significance for Hereditary cancer-predisposing syndrome. Last evaluated: 2025-05-17. Review status: criteria provided, single submitter. Criteria: Ambry Variant Classification Scheme 2023. Collection method: clinical testing. Allele origin: germline.
Comment: The p.K494E variant (also known as c.1480A>G), located in coding exon 13 of the CHEK2 gene, results from an A to G substitution at nucleotide position 1480. The lysine at codon 494 is replaced by glutamic acid, an amino acid with similar properties. This amino acid position is well conserved in available vertebrate species. In addition, this alteration is predicted to be tolerated by in silico analysis. Since supporting evidence is limited at this time, the clinical significance of this alteration remains unclear.

NM_007194.4(CHEK2):c.1480A>G (p.Lys494Glu)

Gene: CHEK2 (checkpoint kinase 2; minus strand). Cytogenetic location: 22q12.1.
Variant type: single nucleotide variant.
Coding change: c.1480A>G on transcript NM_007194.4 (MANE Select); coding-DNA position 1480, A replaced by G.
Protein change: p.Lys494Glu; replaces lysine 494 with glutamic acid.
Molecular consequence: missense variant.
Genome position (GRCh38, 1-based): chr22:28,689,197, T>C on the plus strand (A>G on the coding strand, the complement: CHEK2 is on the minus strand). VCF-style: chr22-28689197-T-C. GRCh37 (hg19) VCF-style: chr22-29085185-T-C.
Other names: c.1609A>G, p.Lys537Glu (NM_001005735.3); c.817A>G, p.Lys273Glu (NM_001257387.3); c.1279A>G, p.Lys427Glu (NM_001349956.3); c.1393A>G, p.Lys465Glu (NM_145862.3); short protein forms K273E, K465E, K494E, K427E, K537E.
Identifiers: ClinVar variation 819333 (VCV000819333.5), dbSNP rs754339938, ClinGen allele CA10167627.
Genomic context (GRCh38, chr22:28,689,197, plus strand): 5'-GGGCTAGAACCTGGGGTAGAGCTGTGGATTCATTTTCCTCAGACAGAAGATCTTGAAACT[T>C]TCTCTTCATGTCTTCATCCTGTGAGGGAATTAAAAACATAAGTAGCTGTGTCTGAAGGAT-3'
Protein context (NP_009125.1, residues 484-504): PWLQDEDMKR[Lys494Glu]FQDLLSEENE